The following is an entry in ClinVar:

NM_000350.3(ABCA4):c.4806A>G (p.Ile1602Met)

Genes: ABCA4 (ATP binding cassette subfamily A member 4; minus strand), LOC126805793 (CDK7 strongly-dependent group 2 enhancer GRCh37_chr1:94486302-94487501; plus strand). Cytogenetic location: 1p22.1.
Variant type: single nucleotide variant.
Coding change: c.4806A>G on transcript NM_000350.3 (MANE Select); coding-DNA position 4806, A replaced by G.
Protein change: p.Ile1602Met; replaces isoleucine 1602 with methionine.
Molecular consequence: missense variant.
Genome position (GRCh38, 1-based): chr1:94,021,682, T>C on the plus strand (A>G on the coding strand, the complement: ABCA4 is on the minus strand). VCF-style: chr1-94021682-T-C. GRCh37 (hg19) VCF-style: chr1-94487238-T-C.
Other names: c.4584A>G, p.Ile1528Met (NM_001425324.1); short protein forms I1602M, I1528M.
Identifiers: ClinVar variation 1715640 (VCV001715640.4), dbSNP rs1659901882, ClinGen allele CA341283644.

ClinVar aggregate classification (germline): Uncertain significance (1 of 4 stars; one submission).

Allele frequency attached by ClinVar (database versions not stated): gnomAD exomes below 0.00001; TOPMed below 0.00001.

Submission:

Labcorp Genetics (formerly Invitae), Labcorp
Classification: Uncertain significance. Last evaluated: 2024-06-30. Review status: criteria provided, single submitter. Criteria: Invitae Variant Classification Sherloc (09022015). Collection method: clinical testing. Allele origin: germline.
Comment: This sequence change replaces isoleucine, which is neutral and non-polar, with methionine, which is neutral and non-polar, at codon 1602 of the ABCA4 protein (p.Ile1602Met). This variant is not present in population databases (gnomAD no frequency). This variant has not been reported in the literature in individuals affected with ABCA4-related conditions. ClinVar contains an entry for this variant (Variation ID: 1715640). Advanced modeling of protein sequence and biophysical properties (such as structural, functional, and spatial information, amino acid conservation, physicochemical variation, residue mobility, and thermodynamic stability) performed at Invitae indicates that this missense variant is not expected to disrupt ABCA4 protein function with a negative predictive value of 95%. In summary, the available evidence is currently insufficient to determine the role of this variant in disease. Therefore, it has been classified as a Variant of Uncertain Significance.